The following is an entry in ClinVar:

ClinVar aggregate classification (germline): Uncertain significance. Review status: criteria provided, multiple submitters, no conflicts (2 of 4 stars). 2 submissions from 2 submitters: Uncertain significance (2). Last evaluated 2025-01-16.

Conditions:
Meckel-Gruber syndrome. Also called: DYSENCEPHALIA SPLANCHNOCYSTICA; GRUBER SYNDROME; Dysencephalia splachnocystica. Identifiers: Orphanet 564, MedGen C0265215, MONDO:0018921.
Joubert syndrome. Also called: CEREBELLOPARENCHYMAL DISORDER IV; JOUBERT-BOLTSHAUSER SYNDROME; Familial aplasia of the vermis. Identifiers: Orphanet 475, MedGen C5979921, MONDO:0018772.
Inborn genetic diseases. Identifiers: MedGen C0950123, MeSH D030342.

Allele frequency attached by ClinVar (database versions not stated): 1000 Genomes Project 30x 0.00047; gnomAD exomes 0.00005 and 0.00007; ExAC 0.00009; TOPMed 0.00009; gnomAD 0.00011; ESP Exome Variant Server 0.00015; 1000 Genomes Project 0.00040.
gnomAD v4.1: 96 of 1,614,176 alleles (0.0059%); highest among the groups gnomAD compares: Middle Eastern, 0.033%; no homozygotes.

Submissions (2):

Labcorp Genetics (formerly Invitae), Labcorp
Classification: Uncertain significance for Joubert syndrome; Meckel-Gruber syndrome. Last evaluated: 2025-01-16. Review status: criteria provided, single submitter. Criteria: Invitae Variant Classification Sherloc (09022015). Collection method: clinical testing. Allele origin: germline.
Comment: This sequence change replaces arginine, which is basic and polar, with histidine, which is basic and polar, at codon 162 of the B9D1 protein (p.Arg162His). This variant is present in population databases (rs142346405, gnomAD 0.02%). This variant has not been reported in the literature in individuals affected with B9D1-related conditions. ClinVar contains an entry for this variant (Variation ID: 1473210). An algorithm developed to predict the effect of missense changes on protein structure and function (PolyPhen-2) suggests that this variant¬¨‚Ä†is likely to be tolerated. In summary, the available evidence is currently insufficient to determine the role of this variant in disease. Therefore, it has been classified as a Variant of Uncertain Significance.

Ambry Genetics
Classification: Uncertain significance for Inborn genetic diseases. Last evaluated: 2024-11-11. Review status: criteria provided, single submitter. Criteria: Ambry Variant Classification Scheme 2023. Collection method: clinical testing. Allele origin: germline.

NM_015681.6(B9D1):c.485G>A (p.Arg162His)

Gene: B9D1 (B9 domain containing 1; minus strand). Cytogenetic location: 17p11.2.
Variant type: single nucleotide variant.
Coding change: c.485G>A on transcript NM_015681.6 (MANE Select); coding-DNA position 485, G replaced by A.
Protein change: p.Arg162His; replaces arginine 162 with histidine.
Molecular consequence: missense variant. On other transcripts: 3 prime UTR variant (3), intron variant (4).
Genome position (GRCh38, 1-based): chr17:19,343,449, C>T on the plus strand (G>A on the coding strand, the complement: B9D1 is on the minus strand). VCF-style: chr17-19343449-C-T. GRCh37 (hg19) VCF-style: chr17-19246762-C-T.
Other names: c.*10G>A (NM_001321214.2); c.*261G>A (NM_001321215.3); c.*33G>A (NM_001330149.2); c.112+341G>A (NM_001368769.2); c.404+3820G>A (NM_001321219.2); c.472+341G>A (NM_001321218.2, NM_001321217.2); c.485G>A (NM_015681.3); short protein forms R162H.
Identifiers: ClinVar variation 1473210 (VCV001473210.7), dbSNP rs142346405, ClinGen allele CA8440084.